The following is an entry in ClinVar:

ClinVar aggregate classification (germline): Pathogenic/Likely pathogenic. Review status: criteria provided, multiple submitters, no conflicts (2 of 4 stars). 3 submissions from 3 submitters: Pathogenic (2); Likely pathogenic (1). Last evaluated 2025-01-31.

Conditions:
Familial X-linked hypophosphatemic vitamin D refractory rickets (XLHRD). Also called: X-Linked Hypophosphatemia; Hypophosphatemic Rickets, X-Linked Dominant; HYPOPHOSPHATEMIC VITAMIN D-RESISTANT RICKETS; Hypophosphatemia, vitamin D-resistant rickets; Vitamin D-resistant rickets, X-linked. Identifiers: Orphanet 89936, MedGen C0733682, MONDO:0010619, OMIM 307800.

Submissions (3):

Labcorp Genetics (formerly Invitae), Labcorp
Classification: Likely pathogenic. Last evaluated: 2025-01-31. Review status: criteria provided, single submitter. Criteria: Invitae Variant Classification Sherloc (09022015). Collection method: clinical testing. Allele origin: germline.
Comment: This variant, c.958_960del, results in the deletion of 1 amino acid(s) of the PHEX protein (p.Lys320del), but otherwise preserves the integrity of the reading frame. This variant is not present in population databases (gnomAD no frequency). This variant has been observed in individual(s) with hypophosphatemia (PMID: 22695891, 26377240; internal data). In summary, the currently available evidence indicates that the variant is pathogenic, but additional data are needed to prove that conclusively. Therefore, this variant has been classified as Likely Pathogenic.

Mendelics
Classification: Pathogenic for Familial X-linked hypophosphatemic vitamin D refractory rickets. Last evaluated: 2022-05-04. Review status: criteria provided, single submitter. Criteria: Mendelics Assertion Criteria 2019. Collection method: clinical testing. Allele origin: germline.

Institute of Human Genetics Munich, TUM University Hospital
Classification: Pathogenic for Familial X-linked hypophosphatemic vitamin D refractory rickets. Last evaluated: 2013-10-28. Review status: criteria provided, single submitter. Criteria: Classification criteria August 2017. Collection method: clinical testing. Allele origin: germline. Inheritance: X-linked inheritance. Affected: yes. Observed: 1 hemizygote.

Literature cited by the submitters: PubMed 22695891 (cited by Labcorp Genetics (formerly Invitae), Labcorp); PubMed 26377240 (cited by Labcorp Genetics (formerly Invitae), Labcorp).

NM_000444.6(PHEX):c.955AAG[1] (p.Lys320del)

Gene: PHEX (phosphate regulating endopeptidase X-linked; plus strand). Cytogenetic location: Xp22.11.
Variant type: Microsatellite.
Coding change: c.955AAG[1] on transcript NM_000444.6 (MANE Select); one copy of the 3-base unit AAG starting at c.955; the reference has two copies in a row; one copy, 3 bases deleted.
Protein change: p.Lys320del; deletes lysine 320.
Molecular consequence: inframe deletion.
Genome position (GRCh38, 1-based): chrX:22,099,030-22,099,032, AAG deleted; deleting any 3 consecutive bases within chrX:22,099,027-22,099,032 gives the same sequence; the position shown is the placement nearest the transcript's 3' end. VCF-style (leftmost placement, unchanged base first): chrX-22099026-CAAG-C. GRCh37 (hg19) VCF-style: chrX-22117144-CAAG-C.
Other names: c.955AAG[1], p.Lys320del (NM_001282754.2); short protein forms K320del.
Identifiers: ClinVar variation 438490 (VCV000438490.10), dbSNP rs1556025968, ClinGen allele CA645509036.